The following is an entry in ClinVar:

ClinVar aggregate classification (germline): Uncertain significance (1 of 4 stars; one submission).

Conditions:
Familial hypobetalipoproteinemia 1. Also called: APOB-Related Familial Hypobetalipoproteinemia; Hypobetalipoproteinemia, normotriglyceridemic; Acanthocytosis with hypobetalipoproteinemia. Identifiers: MedGen C4551990, MONDO:0014252, OMIM 615558.
Hypercholesterolemia, autosomal dominant, type B (FHCL2). Also called: Hyperlipoproteinemia Type IIb; Familial Hypercholesterolemia Type B; APOLIPOPROTEIN B-100, FAMILIAL DEFECTIVE; APOLIPOPROTEIN B-100, FAMILIAL LIGAND-DEFECTIVE; HYPERCHOLESTEROLEMIA, FAMILIAL, DUE TO LIGAND-DEFECTIVE APOLIPOPROTEIN B; APOB-Related Familial Hypercholesterolemia, Autosomal Dominant. Identifiers: MedGen C1704417, MONDO:0007751, OMIM 144010.

Allele frequency attached by ClinVar (database versions not stated): gnomAD exomes below 0.00001.
gnomAD v4.1: 1 of 1,614,016 alleles (0.000062%); highest among the groups gnomAD compares: Non-Finnish European, 0.000085%; no homozygotes.

Submission:

Labcorp Genetics (formerly Invitae), Labcorp
Classification: Uncertain significance for Familial hypobetalipoproteinemia 1; Hypercholesterolemia, autosomal dominant, type B. Last evaluated: 2022-06-13. Review status: criteria provided, single submitter. Criteria: Invitae Variant Classification Sherloc (09022015). Collection method: clinical testing. Allele origin: germline.
Comment: In summary, the available evidence is currently insufficient to determine the role of this variant in disease. Therefore, it has been classified as a Variant of Uncertain Significance. Algorithms developed to predict the effect of missense changes on protein structure and function output the following: SIFT: "Tolerated"; PolyPhen-2: "Benign"; Align-GVGD: "Class C0". The lysine amino acid residue is found in multiple mammalian species, which suggests that this missense change does not adversely affect protein function. This variant has not been reported in the literature in individuals affected with APOB-related conditions. This variant is not present in population databases (gnomAD no frequency). This sequence change replaces glutamine, which is neutral and polar, with lysine, which is basic and polar, at codon 3595 of the APOB protein (p.Gln3595Lys).

NM_000384.3(APOB):c.10783C>A (p.Gln3595Lys)

Gene: APOB (apolipoprotein B; minus strand). Cytogenetic location: 2p24.1.
Variant type: single nucleotide variant.
Coding change: c.10783C>A on transcript NM_000384.3 (MANE Select); coding-DNA position 10783, C replaced by A.
Protein change: p.Gln3595Lys; replaces glutamine 3595 with lysine.
Molecular consequence: missense variant.
Genome position (GRCh38, 1-based): chr2:21,006,085, G>T on the plus strand (C>A on the coding strand, the complement: APOB is on the minus strand). VCF-style: chr2-21006085-G-T. GRCh37 (hg19) VCF-style: chr2-21228957-G-T.
Other names: short protein forms Q3595K.
Identifiers: ClinVar variation 2155374 (VCV002155374.4), dbSNP rs2103351445, ClinGen allele CA345984993.